The following is an entry in ClinVar:

ClinVar aggregate classification (germline): Likely pathogenic. Review status: reviewed by expert panel (3 of 4 stars). 4 submissions from 4 submitters: Likely pathogenic (1). 3 of the submissions do not count toward it. Last evaluated 2020-08-28.

Conditions:
Phenylketonuria (PKU). Also called: Phenylketonuria (PKU); Phenylketonurias; OLIGOPHRENIA PHENYLPYRUVICA; FOLLING DISEASE. Identifiers: Orphanet 716, MedGen C0031485, MONDO:0009861, OMIM 261600. Disease mechanism: loss of function.

Submissions (4):

ClinGen PAH Variant Curation Expert Panel
Classification: Likely pathogenic for Phenylketonuria. Last evaluated: 2020-08-28. Review status: reviewed by expert panel. Criteria: ClinGen PAH ACMG Specifications v1. Collection method: curation. Allele origin: germline. Inheritance: Autosomal recessive inheritance.
Comment: The c.1220C>T (p.Pro407Leu) variant in PAH has been reported in multiple individuals with PAH deficiency (PMID: 9950317, 23357515, 23792259). This variant is absent in population databases. This variant was detected with pathogenic variants: p.F55fs (PMID: 9950317); p.Tyr414Cys (PMID: 23357515); p.Ala403Val (PMID: 23792259); and p.R408W (PMID: 24350308). Computational evidence is conflicting. In summary, this variant meets criteria to be classified as likely pathogenic for PAH. PAH-specific ACMG/AMP criteria applied: PP4, PM2, PM3_strong.

Labcorp Genetics (formerly Invitae), Labcorp
Classification: Pathogenic for Phenylketonuria. Last evaluated: 2023-08-22. Review status: criteria provided, single submitter. Criteria: Invitae Variant Classification Sherloc (09022015). Collection method: clinical testing. Allele origin: germline. Not counted in ClinVar's aggregate classification.
Comment: This sequence change replaces proline, which is neutral and non-polar, with leucine, which is neutral and non-polar, at codon 407 of the PAH protein (p.Pro407Leu). This variant is not present in population databases (gnomAD no frequency). This missense change has been observed in individual(s) with PAH-related conditions (PMID: 9950317). In at least one individual the data is consistent with being in trans (on the opposite chromosome) from a pathogenic variant. ClinVar contains an entry for this variant (Variation ID: 635). Advanced modeling of protein sequence and biophysical properties (such as structural, functional, and spatial information, amino acid conservation, physicochemical variation, residue mobility, and thermodynamic stability) performed at Invitae indicates that this missense variant is not expected to disrupt PAH protein function. This variant disrupts the p.Pro407 amino acid residue in PAH. Other variant(s) that disrupt this residue have been determined to be pathogenic (PMID: 9359039, 10484807, 14681498, 14726806, 15503242). This suggests that this residue is clinically significant, and that variants that disrupt this residue are likely to be disease-causing. For these reasons, this variant has been classified as Pathogenic.

OMIM
Classification: Pathogenic for PHENYLKETONURIA. Last evaluated: 1999-01-01. Review status: no assertion criteria provided. Collection method: literature only. Allele origin: germline. Not counted in ClinVar's aggregate classification.

DeBelle Laboratory for Biochemical Genetics, MUHC/MCH RESEARCH INSTITUTE
No classification provided. Review status: no classification provided. Collection method: not provided. Allele origin: not provided. Not counted in ClinVar's aggregate classification.

Literature cited by the submitters: PubMed 9950317 (cited by Labcorp Genetics (formerly Invitae), Labcorp and OMIM); PubMed 9359039 (cited by Labcorp Genetics (formerly Invitae), Labcorp); PubMed 10484807 (cited by Labcorp Genetics (formerly Invitae), Labcorp); PubMed 14681498 (cited by Labcorp Genetics (formerly Invitae), Labcorp); PubMed 14726806 (cited by Labcorp Genetics (formerly Invitae), Labcorp); PubMed 15503242 (cited by Labcorp Genetics (formerly Invitae), Labcorp).

NM_000277.3(PAH):c.1220C>T (p.Pro407Leu)

Gene: PAH (phenylalanine hydroxylase; minus strand). Cytogenetic location: 12q23.2.
Variant type: single nucleotide variant.
Coding change: c.1220C>T on transcript NM_000277.3 (MANE Select); coding-DNA position 1220, C replaced by T.
Protein change: p.Pro407Leu; replaces proline 407 with leucine.
Molecular consequence: missense variant.
Genome position (GRCh38, 1-based): chr12:102,840,495, G>A on the plus strand (C>T on the coding strand, the complement: PAH is on the minus strand). VCF-style: chr12-102840495-G-A. GRCh37 (hg19) VCF-style: chr12-103234273-G-A.
Other names: c.1220C>T, p.Pro407Leu (NM_001354304.2); short protein forms P407L.
Identifiers: ClinVar variation 635 (VCV000000635.87), dbSNP rs62644473, ClinGen allele CA229402.